The following is an entry in ClinVar:

NM_002474.3(MYH11):c.2428C>G (p.Gln810Glu)

Gene: MYH11 (myosin heavy chain 11; minus strand). Cytogenetic location: 16p13.11.
Variant type: single nucleotide variant.
Coding change: c.2428C>G on transcript NM_002474.3 (MANE Select); coding-DNA position 2428, C replaced by G.
Protein change: p.Gln810Glu; replaces glutamine 810 with glutamic acid.
Molecular consequence: missense variant.
Genome position (GRCh38, 1-based): chr16:15,745,221, G>C on the plus strand (C>G on the coding strand, the complement: MYH11 is on the minus strand). VCF-style: chr16-15745221-G-C. GRCh37 (hg19) VCF-style: chr16-15839078-G-C.
Other names: c.2449C>G, p.Gln817Glu (NM_001040113.2, NM_001040114.2); c.2428C>G, p.Gln810Glu (NM_022844.3); short protein forms Q817E, Q810E.
Identifiers: ClinVar variation 1791115 (VCV001791115.2), dbSNP rs2506242818, ClinGen allele CA394866917.

ClinVar aggregate classification (germline): Uncertain significance (1 of 4 stars; one submission).

Conditions:
Familial thoracic aortic aneurysm and aortic dissection (TAAD). Also called: Thoracic aortic aneurysms and dissections. Identifiers: Orphanet 91387, MedGen C4707243, MONDO:0019625.

Submission:

Ambry Genetics
Classification: Uncertain significance for Familial thoracic aortic aneurysm and aortic dissection. Last evaluated: 2022-07-23. Review status: criteria provided, single submitter. Criteria: Ambry Variant Classification Scheme 2023. Collection method: clinical testing. Allele origin: germline.
Comment: The p.Q810E variant (also known as c.2428C>G), located in coding exon 19 of the MYH11 gene, results from a C to G substitution at nucleotide position 2428. The glutamine at codon 810 is replaced by glutamic acid, an amino acid with highly similar properties. This amino acid position is conserved. In addition, the in silico prediction for this alteration is inconclusive. Since supporting evidence is limited at this time, the clinical significance of this alteration remains unclear.